The following is an entry in ClinVar:

ClinVar aggregate classification (germline): Conflicting classifications of pathogenicity. Review status: criteria provided, conflicting classifications (1 of 4 stars). 8 submissions from 8 submitters: Pathogenic (1); Likely pathogenic (3); Uncertain significance (4). Last evaluated 2026-07-22.

Conditions:
Dyskeratosis congenita, autosomal recessive 6 (DKCB6). Identifiers: MedGen C4225356, MONDO:0014600, OMIM 616353.
Pulmonary fibrosis and/or bone marrow failure, Telomere-related, 4. Also called: PULMONARY FIBROSIS AND/OR BONE MARROW FAILURE SYNDROME, TELOMERE-RELATED, 4. Identifiers: Orphanet 2032, MedGen C4225347, MONDO:0014612, OMIM 616371.
PARN-related disorder. Also called: PARN-related condition; PARN-related disorders.

Allele frequency attached by ClinVar (database versions not stated): gnomAD 0.00009; TOPMed 0.00012; 1000 Genomes Project 30x 0.00016; 1000 Genomes Project 0.00020.
gnomAD v4.1: 88 of 1,605,790 alleles (0.0055%); highest among the groups gnomAD compares: Admixed American, 0.013%; no homozygotes.

Submissions (9):

PreventionGenetics, part of Exact Sciences
Classification: Uncertain significance for PARN-related condition. Last evaluated: 2026-07-22. Review status: criteria provided, single submitter. Criteria: ACMG Guidelines, 2015. Collection method: clinical testing. Allele origin: germline.
Comment: The PARN c.272A>G variant is predicted to result in the amino acid substitution p.Tyr91Cys. This variant has been reported in a compound heterozygous state in an individual with autosomal recessive Hoyeraal-Hreidarsson syndrome (Kamış et al. 2024. PubMed ID: 39649862), in a heterozygous state and shown to segregate with pseudo-dominant pulmonary fibrosis with or without bone marrow failure (Dodson et al. 2019. PubMed ID: 31448843; Philippot et al. 2022. PubMed ID: 34981600), and was noted as a de novo variant in an individual with autism (Supplementary Data 1; Zhou et al. 2022. PubMed ID: 35982159). An in vitro experimental study suggests this variant adversely impacts protein function (Dodson et al. 2019. PubMed ID: 31448843). This variant is reported in 0.021% of alleles in individuals of African descent in gnomAD. This variant has conflicting classifications listed in ClinVar ranging from uncertain to pathogenic (ClinVar ID: 542669). At this time, the clinical significance of this variant is uncertain due to the absence of conclusive functional and genetic evidence.

Labcorp Genetics (formerly Invitae), Labcorp
Classification: Pathogenic for Dyskeratosis congenita, autosomal recessive 6; Pulmonary fibrosis and/or bone marrow failure, Telomere-related, 4. Last evaluated: 2025-12-17. Review status: criteria provided, single submitter. Criteria: Invitae Variant Classification Sherloc (09022015). Collection method: clinical testing. Allele origin: germline.
Comment: This sequence change replaces tyrosine, which is neutral and polar, with cysteine, which is neutral and slightly polar, at codon 91 of the PARN protein (p.Tyr91Cys). This variant is present in population databases (rs201765587, gnomAD 0.02%). This missense change has been observed in individual(s) with Hoyeraal Hreidarsson syndrome (PMID: 31448843; internal data). In at least one individual the data is consistent with being in trans (on the opposite chromosome) from a pathogenic variant. It has also been observed to segregate with disease in related individuals. ClinVar contains an entry for this variant (Variation ID: 542669). Invitae Evidence Modeling of protein sequence and biophysical properties (such as structural, functional, and spatial information, amino acid conservation, physicochemical variation, residue mobility, and thermodynamic stability) indicates that this missense variant is expected to disrupt PARN protein function with a positive predictive value of 80%. Experimental studies have shown that this missense change affects PARN function (PMID: 31448843). For these reasons, this variant has been classified as Pathogenic.

Mayo Clinic Laboratories, Mayo Clinic
Classification: Likely pathogenic. Last evaluated: 2025-07-23. Review status: criteria provided, single submitter. Criteria: ACMG Guidelines, 2015. Collection method: clinical testing. Allele origin: germline. Observed: 1 variant allele.
Comment: PP4, PM2_supporting, PM3_strong, PS3_moderate

GeneDx
Classification: Uncertain significance. Last evaluated: 2024-12-05. Review status: criteria provided, single submitter. Criteria: GeneDx Variant Classification Process June 2021. Collection method: clinical testing. Allele origin: germline. Affected: yes.
Comment: Published functional studies demonstrate a damaging effect with reduced deadenylation activity and shortened telomeres in patients (PMID: 31448843); In silico analysis supports that this missense variant has a deleterious effect on protein structure/function; Observed as an apparently de novo variant in an individual from the SPARK autism cohort (PMID: 35982159); This variant is associated with the following publications: (PMID: 34426522, 35982159, 31448843)

Women's Health and Genetics/Laboratory Corporation of America, LabCorp
Classification: Likely pathogenic for PARN-Related Disorders. Last evaluated: 2024-02-05. Review status: criteria provided, single submitter. Criteria: LabCorp Variant Classification Summary - May 2015. Collection method: clinical testing. Allele origin: germline.
Comment: Variant summary: PARN c.272A>G (p.Tyr91Cys) results in a non-conservative amino acid change in the encoded protein sequence. Four of five in-silico tools predict a damaging effect of the variant on protein function. The variant allele was found at a frequency of 7e-05 in 243878 control chromosomes. c.272A>G has been reported in the literature in trans along with a pathogenic variant in PARN in two siblings affected with Hoyeraal-Hreidarsson syndrome, other family members carrying this variant reported healthy but had reduced levels of lymphocyte telomeres (example, Dodson_2019). The variant was also reported as a de novo change in one individual from a cohort of Autism patients, without sufficient information for independent analysis (Zhou_2022). These data indicate that the variant may be associated with disease. At least one publication reports experimental evidence evaluating an impact on protein function. The most pronounced variant effect results in <10% of normal deadenylation activity in vitro (Dodson_2019). The following publications have been ascertained in the context of this evaluation (PMID: 31448843, 35982159). ClinVar contains an entry for this variant (Variation ID: 542669). Based on the evidence outlined above, the variant was classified as likely pathogenic.

Genetics and Molecular Pathology, SA Pathology
Classification: Uncertain significance for Pulmonary fibrosis and/or bone marrow failure, Telomere-related, 4. Last evaluated: 2023-07-05. Review status: criteria provided, single submitter. Criteria: ACMG Guidelines, 2015. Collection method: clinical testing. Allele origin: germline. Inheritance: Autosomal dominant inheritance. Affected: yes.
Comment: The PARN c.272A>G variant is classified as VUS (PS3_Moderate) The PARN c.272A>G variant is a single nucleotide change in exon 5/24 of the PARN gene, which is predicted to change the amino acid tyrosine at position 91 in the protein to cysteine. This variant is present at low frequency in population databases (gnomAD allele frequency = 0.0091%; 14 het and 0 hom in 152186 sequenced alleles; highest frequency = 0.019%, East Asian population) (PM2 not met). Computational predictions provide conflicting interpretations of pathogenicity for this variant (PP3 and BP4 not met). Functional studies showed that the p.(Tyr91Cys) variant had reduced deadenylase activity (10-fold lower than WT). The Y91C-mutated PARN polypeptide was perturbed in its deadenylation activity and suggest that the PARN-mediated deadenylation activity in individuals in this pedigree carrying the mutation was affected. However, the affected pedigree shows pseudo-dominant inheritance, and the heterozygous carriers of the Y91C variant only displayed reduced telomeres, without bone marrow failure (Dodson et al, 2019; PMID:31448843). (PS3_moderate). The variant has been reported in dbSNP (rs201765587) and in the HGMD database: CM1918160. It has been reported as Pathogenic by other diagnostic laboratories (ClinVar Variation ID: 542669).

AiLife Diagnostics
Classification: Likely pathogenic. Last evaluated: 2022-03-09. Review status: criteria provided, single submitter. Criteria: ACMG Guidelines, 2015. Collection method: clinical testing. Allele origin: germline. Affected: yes. Observed: 1 variant allele.

Genetic Services Laboratory, University of Chicago
Classification: Uncertain significance. Last evaluated: 2019-11-14. Review status: criteria provided, single submitter. Criteria: ACMG Guidelines, 2015. Collection method: clinical testing. Allele origin: germline. Affected: no.

Bertuch Lab, Baylor College of Medicine
No classification provided (evidence only). Condition: Dyskeratosis congenita, autosomal recessive 6. Last evaluated: 2019-05-15. Review status: no classification provided. Criteria: ACMG Guidelines, 2015. Collection method: in vitro. Allele origin: not applicable. Inheritance: Autosomal recessive inheritance. Functional consequence: protein loss of function. Not counted in ClinVar's aggregate classification.
Comment: PARN is a ribodeadenylase. Biallelic PARN variants have been reported in 9 cases of Hoyeraal-Hreidarsson syndrome (HH)/dyskeratosis congenita. Monoallelic PARN variants are associated with IPF and more than 50 cases have been reported. This rare missense variant, p.Y91C, and novel insertion variant, p.I274*, were found in trans in two siblings with HH. Unaffected family members did not have both variants. Functional studies showed that PARN p.Y91C had reduced deadenylase activity and the p.I274* transcript likely underwent NMD. Studies with patient-derived samples showed the expected alteration of PARN target RNAs in one affected sibling. Telomere lengths were extremely short for both affected siblings. However, monoallelic variant carriers had variable telomere length, indicating incomplete penetrance of short telomeres in PARN variant carriers. In summary, this variant has strong evidence for being pathogenic according to ACMG 2015 guidelines and functional data, segregation data, and allelic data.

"Pathogenic" was previously submitted as the classification for the variant. However, the classification appeared to be based only on an observation of functional data so it was converted to no classification on 2025-07-30.

Literature cited by the submitters: PubMed 31448843 (cited by 6 submitters); PubMed 16281054 (cited by Mayo Clinic Laboratories, Mayo Clinic); PubMed 35982159 (cited by Mayo Clinic Laboratories, Mayo Clinic and Women's Health and Genetics/Laboratory Corporation of America, LabCorp).

NM_002582.4(PARN):c.272A>G (p.Tyr91Cys)

Gene: PARN (poly(A)-specific ribonuclease; minus strand). Cytogenetic location: 16p13.12.
Variant type: single nucleotide variant.
Coding change: c.272A>G on transcript NM_002582.4 (MANE Select); coding-DNA position 272, A replaced by G.
Protein change: p.Tyr91Cys; replaces tyrosine 91 with cysteine.
Molecular consequence: missense variant. On other transcripts: intron variant (1).
Genome position (GRCh38, 1-based): chr16:14,627,161, T>C on the plus strand (A>G on the coding strand, the complement: PARN is on the minus strand). VCF-style: chr16-14627161-T-C. GRCh37 (hg19) VCF-style: chr16-14721018-T-C.
Other names: p.Tyr91Cys; c.89A>G, p.Tyr30Cys (NM_001134477.3); c.159-25A>G (NM_001242992.2); c.272A>G, p.Tyr91Cys (LRG_1286t1); short protein forms Y91C, Y30C.
Identifiers: ClinVar variation 542669 (VCV000542669.23), dbSNP rs201765587, ClinGen allele CA7912470.